The following is an entry in ClinVar:

NM_032242.4(PLXNA1):c.3792C>G (p.Leu1264=)

Gene: PLXNA1 (plexin A1; plus strand). Cytogenetic location: 3q21.3.
Variant type: single nucleotide variant.
Coding change: c.3792C>G on transcript NM_032242.4 (MANE Select); coding-DNA position 3792, C replaced by G.
Protein change: p.Leu1264=; no amino-acid change (leucine 1264 retained).
Molecular consequence: synonymous variant.
Genome position (GRCh38, 1-based): chr3:127,018,425, C>G. VCF-style: chr3-127018425-C-G. GRCh37 (hg19) VCF-style: chr3-126737268-C-G.
Identifiers: ClinVar variation 3356714 (VCV003356714.1).

ClinVar aggregate classification (germline): Likely benign (0 of 4 stars; one submission).

Conditions:
PLXNA1-related disorder. Also called: PLXNA1-related condition.

gnomAD v4.1: 1 of 1,612,820 alleles (0.000062%); highest among the groups gnomAD compares: Non-Finnish European, 0.000085%; no homozygotes.

Submission:

PreventionGenetics, part of Exact Sciences
Classification: Likely benign for PLXNA1-related condition. Last evaluated: 2023-02-15. Review status: no assertion criteria provided. Collection method: clinical testing. Allele origin: germline.
Comment: This variant is classified as likely benign based on ACMG/AMP sequence variant interpretation guidelines (Richards et al. 2015 PMID: 25741868, with internal and published modifications).